The following is an entry in ClinVar:

ClinVar aggregate classification (germline): Uncertain significance (1 of 4 stars; one submission).

Conditions:
Gastrointestinal stromal tumor. Also called: Gastrointestinal stromal tumor, somatic; Gastrointestinal stroma tumor. Identifiers: Orphanet 44890, MedGen C0238198, MeSH D046152, MONDO:0011719, OMIM 606764, HP:0100723.

Submission:

Labcorp Genetics (formerly Invitae), Labcorp
Classification: Uncertain significance for Gastrointestinal stromal tumor. Last evaluated: 2024-04-17. Review status: criteria provided, single submitter. Criteria: Invitae Variant Classification Sherloc (09022015). Collection method: clinical testing. Allele origin: germline.
Comment: This sequence change affects codon 596 of the PDGFRA mRNA. It is a 'silent' change, meaning that it does not change the encoded amino acid sequence of the PDGFRA protein. This variant is not present in population databases (gnomAD no frequency). This variant has not been reported in the literature in individuals affected with PDGFRA-related conditions. Algorithms developed to predict the effect of sequence changes on RNA splicing suggest that this variant may create or strengthen a splice site. In summary, the available evidence is currently insufficient to determine the role of this variant in disease. Therefore, it has been classified as a Variant of Uncertain Significance.

NM_006206.6(PDGFRA):c.1788T>A (p.Gly596=)

Gene: PDGFRA (platelet derived growth factor receptor alpha; plus strand). Cytogenetic location: 4q12.
Variant type: single nucleotide variant.
Coding change: c.1788T>A on transcript NM_006206.6 (MANE Select); coding-DNA position 1788, T replaced by A.
Protein change: p.Gly596=; no amino-acid change (glycine 596 retained).
Molecular consequence: synonymous variant.
Genome position (GRCh38, 1-based): chr4:54,277,389, T>A. VCF-style: chr4-54277389-T-A. GRCh37 (hg19) VCF-style: chr4-55143556-T-A.
Other names: c.1788T>A, p.Gly596= (NM_001347827.2, NM_001347829.2); c.1863T>A, p.Gly621= (NM_001347828.2); c.1827T>A, p.Gly609= (NM_001347830.2).
Identifiers: ClinVar variation 2695107 (VCV002695107.3), dbSNP rs2110308164, ClinGen allele CA439287243.